The following is an entry in ClinVar:

NM_006587.4(CORIN):c.1033A>G (p.Thr345Ala)

Gene: CORIN (corin, serine peptidase; minus strand). Cytogenetic location: 4p12.
Variant type: single nucleotide variant.
Coding change: c.1033A>G on transcript NM_006587.4 (MANE Select); coding-DNA position 1033, A replaced by G.
Protein change: p.Thr345Ala; replaces threonine 345 with alanine.
Molecular consequence: missense variant. On other transcripts: intron variant (2).
Genome position (GRCh38, 1-based): chr4:47,680,240, T>C on the plus strand (A>G on the coding strand, the complement: CORIN is on the minus strand). VCF-style: chr4-47680240-T-C. GRCh37 (hg19) VCF-style: chr4-47682257-T-C.
Other names: c.821-2186A>G (NM_001278585.2); c.1022-2186A>G (NM_001278586.2); short protein forms T345A.
Identifiers: ClinVar variation 618041 (VCV000618041.8), dbSNP rs1560502777, ClinGen allele CA356920270.
Genomic context (GRCh38, chr4:47,680,240, plus strand): 5'-CACCATCACACACCCACTCCATGGCGATGCAGCGCCCGTCCCCGCAGCGATGCTCTGTTG[T>C]GGGATTGCAATCTGGAGAAATGAAAACTCACGAGGATGCAGAGAACCAGCATGACTAACA-3'
Protein context (NP_006578.2, residues 335-355): SDEQNCDCNP[Thr345Ala]TEHRCGDGRC

ClinVar aggregate classification (germline): Uncertain significance (1 of 4 stars; one submission).

Submission:

ARUP Laboratories, Molecular Genetics and Genomics, ARUP Laboratories
Classification: Uncertain significance. Last evaluated: 2018-01-03. Review status: criteria provided, single submitter. Criteria: ARUP Molecular Germline Variant Investigation Process. Collection method: clinical testing. Allele origin: germline.
Comment: The p.Thr345Ala variant has not been reported in the medical literature, gene specific variation databases, nor has it been previously identified by our laboratory. It is absent from general population databases such as 1000 Genomes, NHLBI GO Exome Sequencing Project (ESP), and the Genome Aggregation Database (gnomAD). The threonine at position 345 is moderately conserved considering 11 species (Alamut v2.10) and computational analyses of the p.Thr345Ala variant on protein structure and function indicate a neutral effect (SIFT: tolerated, MutationTaster: polymorphism, Align GVGD: Class C0). Altogether, there is not enough evidence to classify the p.Thr345Ala variant with certainty.